The following is an entry in ClinVar:

ClinVar aggregate classification (germline): Uncertain significance. Review status: criteria provided, multiple submitters, no conflicts (2 of 4 stars). 2 submissions from 2 submitters: Uncertain significance (2). Last evaluated 2024-10-01.

Allele frequency attached by ClinVar (database versions not stated): gnomAD 0.00003; gnomAD exomes 0.00003; ExAC 0.00005; TOPMed 0.00005; ESP Exome Variant Server 0.00023.
gnomAD v4.1: 49 of 1,614,100 alleles (0.003%); highest among the groups gnomAD compares: Admixed American, 0.0067%; no homozygotes.

Submissions (2):

Ambry Genetics
Classification: Uncertain significance. Last evaluated: 2024-10-01. Review status: criteria provided, single submitter. Criteria: Ambry Variant Classification Scheme 2023. Collection method: clinical testing. Allele origin: germline.

Labcorp Genetics (formerly Invitae), Labcorp
Classification: Uncertain significance. Last evaluated: 2022-06-04. Review status: criteria provided, single submitter. Criteria: Invitae Variant Classification Sherloc (09022015). Collection method: clinical testing. Allele origin: germline.
Comment: This sequence change replaces serine, which is neutral and polar, with phenylalanine, which is neutral and non-polar, at codon 464 of the RUSC2 protein (p.Ser464Phe). This variant is present in population databases (rs369004914, gnomAD 0.01%). This variant has not been reported in the literature in individuals affected with RUSC2-related conditions. Algorithms developed to predict the effect of missense changes on protein structure and function (SIFT, PolyPhen-2, Align-GVGD) all suggest that this variant is likely to be tolerated. In summary, the available evidence is currently insufficient to determine the role of this variant in disease. Therefore, it has been classified as a Variant of Uncertain Significance.

NM_014806.5(RUSC2):c.1391C>T (p.Ser464Phe)

Gene: RUSC2 (RUN and SH3 domain containing 2; plus strand). Cytogenetic location: 9p13.3.
Variant type: single nucleotide variant.
Coding change: c.1391C>T on transcript NM_014806.5 (MANE Select); coding-DNA position 1391, C replaced by T.
Protein change: p.Ser464Phe; replaces serine 464 with phenylalanine.
Molecular consequence: missense variant. On other transcripts: non-coding transcript variant (1), intron variant (1).
Genome position (GRCh38, 1-based): chr9:35,547,912, C>T. VCF-style: chr9-35547912-C-T. GRCh37 (hg19) VCF-style: chr9-35547909-C-T.
Other names: c.1391C>T, p.Ser464Phe (NM_001135999.2); c.-620-7148C>T (NM_001330740.2); c.1391C>T (NM_001135999.1); short protein forms S464F.
Identifiers: ClinVar variation 2197326 (VCV002197326.2), dbSNP rs369004914, ClinGen allele CA5043629.